The following is an entry in ClinVar:

ClinVar aggregate classification (germline): Benign (1 of 4 stars; one submission).

Conditions:
Hypomaturation-hypoplastic amelogenesis imperfecta with taurodontism. Also called: Amelogenesis imperfecta, type IV. Identifiers: Orphanet 100034, Orphanet 88661, MedGen C1863012, MONDO:0007093, OMIM 104510. Disease mechanism: loss of function.

Allele frequency attached by ClinVar (database versions not stated): gnomAD 0.00009 and 0.00021; TOPMed 0.00027; 1000 Genomes Project 30x 0.00109; 1000 Genomes Project 0.00140; gnomAD exomes 0.00153.

Submission:

Illumina Laboratory Services, Illumina
Classification: Benign for Hypomaturation-hypoplastic amelogenesis imperfecta with taurodontism. Last evaluated: 2018-01-13. Review status: criteria provided, single submitter. Criteria: ICSL Variant Classification Criteria 13 December 2019. Collection method: clinical testing. Allele origin: germline.
Comment: This variant was observed in the ICSL laboratory as part of a predisposition screen in an ostensibly healthy population. It had not been previously curated by ICSL or reported in the Human Gene Mutation Database (HGMD: prior to June 1st, 2018), and was therefore a candidate for classification through an automated scoring system. Utilizing variant allele frequency, disease prevalence and penetrance estimates, and inheritance mode, an automated score was calculated to assess if this variant is too frequent to cause the disease. Based on the score and internal cut-off values, a variant classified as benign is not then subjected to further curation. The score for this variant resulted in a classification of benign for this disease.

NM_005220.3(DLX3):c.*259C>A

Gene: DLX3 (distal-less homeobox 3; minus strand). Cytogenetic location: 17q21.33.
Variant type: single nucleotide variant.
Coding change: c.*259C>A on transcript NM_005220.3 (MANE Select); 259 bases downstream of the stop codon, C replaced by A.
Molecular consequence: 3 prime UTR variant.
Genome position (GRCh38, 1-based): chr17:49,991,258, G>T on the plus strand (C>A on the coding strand, the complement: DLX3 is on the minus strand). VCF-style: chr17-49991258-G-T. GRCh37 (hg19) VCF-style: chr17-48068622-G-T.
Identifiers: ClinVar variation 324017 (VCV000324017.5), dbSNP rs190141435, ClinGen allele CA10650488.
Genomic context (GRCh38, chr17:49,991,258, plus strand): 5'-AGCTGGAAGATGATGAGCCATTTAAAGCCAATCCAGGCTCCTGGAGCAGGTAGGGGAATG[G>T]CTGTCCCCACTGGGGTGGAATGTCCCCACATCTGGAGGGGTACCCCAGTGTCTAGGCAGA-3'